The following is an entry in ClinVar:

ClinVar aggregate classification (germline): Uncertain significance (1 of 4 stars; one submission).

Submission:

Labcorp Genetics (formerly Invitae), Labcorp
Classification: Uncertain significance. Last evaluated: 2024-02-22. Review status: criteria provided, single submitter. Criteria: Invitae Variant Classification Sherloc (09022015). Collection method: clinical testing. Allele origin: germline.
Comment: This sequence change replaces alanine, which is neutral and non-polar, with aspartic acid, which is acidic and polar, at codon 1578 of the ITPR1 protein (p.Ala1578Asp). This variant is not present in population databases (gnomAD no frequency). This variant has not been reported in the literature in individuals affected with ITPR1-related conditions. Advanced modeling of protein sequence and biophysical properties (such as structural, functional, and spatial information, amino acid conservation, physicochemical variation, residue mobility, and thermodynamic stability) performed at Invitae indicates that this missense variant is not expected to disrupt ITPR1 protein function with a negative predictive value of 95%. In summary, the available evidence is currently insufficient to determine the role of this variant in disease. Therefore, it has been classified as a Variant of Uncertain Significance.

NM_001378452.1(ITPR1):c.4805C>A (p.Ala1602Asp)

Genes: BRRIAR (BHLHE40 and RIG-I regulating ITPR1 antisense RNA; minus strand), ITPR1 (inositol 1,4,5-trisphosphate receptor type 1; plus strand). Cytogenetic location: 3p26.1.
Variant type: single nucleotide variant.
Coding change: c.4805C>A on transcript NM_001378452.1 (MANE Select); coding-DNA position 4805, C replaced by A.
Protein change: p.Ala1602Asp; replaces alanine 1602 with aspartic acid.
Molecular consequence: missense variant.
Genome position (GRCh38, 1-based): chr3:4,706,314, C>A. VCF-style: chr3-4706314-C-A. GRCh37 (hg19) VCF-style: chr3-4747998-C-A.
Other names: c.4778C>A, p.Ala1593Asp (NM_001099952.4); c.4760C>A, p.Ala1587Asp (NM_001168272.2); c.4733C>A, p.Ala1578Asp (NM_002222.7); short protein forms A1593D, A1602D, A1578D, A1587D.
Identifiers: ClinVar variation 2825153 (VCV002825153.3), dbSNP rs964067278, ClinGen allele CA351635245.
Genomic context (GRCh38, chr3:4,706,314, plus strand): 5'-CAGCCATGAACTGGCGGCTCTCAGCCCGCAATGCCGCACGCAGGGACTCTGTTCTGGCAG[C>A]TTCCAGAGACTACCGGAATATCATTGAGAGATTGCAGGTAATGCCTGGTGTTGAGAGAAG-3'
Protein context (NP_001365381.1, residues 1592-1612): NAARRDSVLA[Ala1602Asp]SRDYRNIIER